The following is an entry in ClinVar:

NM_000064.4(C3):c.1081C>T (p.Pro361Ser)

Gene: C3 (complement C3; minus strand). Cytogenetic location: 19p13.3.
Variant type: single nucleotide variant.
Coding change: c.1081C>T on transcript NM_000064.4 (MANE Select); coding-DNA position 1081, C replaced by T.
Protein change: p.Pro361Ser; replaces proline 361 with serine.
Molecular consequence: missense variant.
Genome position (GRCh38, 1-based): chr19:6,712,546, G>A on the plus strand (C>T on the coding strand, the complement: C3 is on the minus strand). VCF-style: chr19-6712546-G-A. GRCh37 (hg19) VCF-style: chr19-6712557-G-A.
Other names: short protein forms P361S.
Identifiers: ClinVar variation 1213244 (VCV001213244.9), dbSNP rs1330686326, ClinGen allele CA403641680.

ClinVar aggregate classification (germline): Uncertain significance. Review status: criteria provided, multiple submitters, no conflicts (2 of 4 stars). 2 submissions from 2 submitters: Uncertain significance (2). Last evaluated 2022-06-20.

Allele frequency attached by ClinVar (database versions not stated): gnomAD exomes below 0.00001; TOPMed below 0.00001.
gnomAD v4.1: 4 of 1,614,176 alleles (0.00025%); highest among the groups gnomAD compares: Non-Finnish European, 0.00025%; no homozygotes.

Submissions (2):

Labcorp Genetics (formerly Invitae), Labcorp
Classification: Uncertain significance. Last evaluated: 2022-06-20. Review status: criteria provided, single submitter. Criteria: Invitae Variant Classification Sherloc (09022015). Collection method: clinical testing. Allele origin: germline.
Comment: Algorithms developed to predict the effect of missense changes on protein structure and function output the following: SIFT: "Tolerated"; PolyPhen-2: "Benign"; Align-GVGD: "Class C0". The serine amino acid residue is found in multiple mammalian species, which suggests that this missense change does not adversely affect protein function. ClinVar contains an entry for this variant (Variation ID: 1213244). This variant has not been reported in the literature in individuals affected with C3-related conditions. This variant is present in population databases (no rsID available, gnomAD 0.0009%). This sequence change replaces proline, which is neutral and non-polar, with serine, which is neutral and polar, at codon 361 of the C3 protein (p.Pro361Ser). In summary, the available evidence is currently insufficient to determine the role of this variant in disease. Therefore, it has been classified as a Variant of Uncertain Significance.

GeneDx
Classification: Uncertain significance. Last evaluated: 2019-09-18. Review status: criteria provided, single submitter. Criteria: GeneDx Variant Classification Process June 2021. Collection method: clinical testing. Allele origin: germline. Affected: yes.
Comment: Has not been previously published as pathogenic or benign to our knowledge; Not observed at a significant frequency in large population cohorts (Lek et al., 2016); In silico analysis, which includes protein predictors and evolutionary conservation, supports a deleterious effect